The following is an entry in ClinVar:

ClinVar aggregate classification (germline): Uncertain significance (1 of 4 stars; one submission).

Conditions:
Hereditary cancer-predisposing syndrome. Also called: Neoplastic Syndromes, Hereditary; Tumor predisposition; Hereditary Cancer Syndrome; Hereditary neoplastic syndrome. Identifiers: Orphanet 140162, MedGen C0027672, MeSH D009386, MONDO:0015356.

Allele frequency attached by ClinVar (database versions not stated): TOPMed below 0.00001; gnomAD 0.00001.
gnomAD v4.1: 3 of 1,614,042 alleles (0.00019%); highest among the groups gnomAD compares: Non-Finnish European, 0.00025%; no homozygotes.

Submission:

Ambry Genetics
Classification: Uncertain significance for Hereditary cancer-predisposing syndrome. Last evaluated: 2024-02-16. Review status: criteria provided, single submitter. Criteria: Ambry Variant Classification Scheme 2023. Collection method: clinical testing. Allele origin: germline.
Comment: The p.V252I variant (also known as c.754G>A), located in coding exon 7 of the EPCAM gene, results from a G to A substitution at nucleotide position 754. The valine at codon 252 is replaced by isoleucine, an amino acid with highly similar properties. This amino acid position is conserved. In addition, this alteration is predicted to be tolerated by in silico analysis. Since supporting evidence is limited at this time, the clinical significance of this alteration remains unclear.

NM_002354.3(EPCAM):c.754G>A (p.Val252Ile)

Gene: EPCAM (epithelial cell adhesion molecule; plus strand). Cytogenetic location: 2p21.
Variant type: single nucleotide variant.
Coding change: c.754G>A on transcript NM_002354.3 (MANE Select); coding-DNA position 754, G replaced by A.
Protein change: p.Val252Ile; replaces valine 252 with isoleucine.
Molecular consequence: missense variant.
Genome position (GRCh38, 1-based): chr2:47,379,865, G>A. VCF-style: chr2-47379865-G-A. GRCh37 (hg19) VCF-style: chr2-47607004-G-A.
Other names: short protein forms V252I.
Identifiers: ClinVar variation 1759479 (VCV001759479.2), dbSNP rs773185578, ClinGen allele CA1649151.